The following is an entry in ClinVar:

NM_001126108.2(SLC12A3):c.2663T>C (p.Leu888Pro)

Gene: SLC12A3 (solute carrier family 12 member 3; plus strand). Cytogenetic location: 16q13.
Variant type: single nucleotide variant.
Coding change: c.2663T>C on transcript NM_001126108.2 (MANE Select); coding-DNA position 2663, T replaced by C.
Protein change: p.Leu888Pro; replaces leucine 888 with proline.
Molecular consequence: missense variant.
Genome position (GRCh38, 1-based): chr16:56,899,559, T>C. VCF-style: chr16-56899559-T-C. GRCh37 (hg19) VCF-style: chr16-56933471-T-C.
Other names: c.2690T>C, p.Leu897Pro (NM_000339.3); c.2687T>C, p.Leu896Pro (NM_001126107.2); short protein forms L888P, L896P, L897P.
Identifiers: ClinVar variation 1684179 (VCV001684179.7), dbSNP rs764833797, ClinGen allele CA281516346.

ClinVar aggregate classification (germline): Pathogenic/Likely pathogenic. Review status: criteria provided, multiple submitters, no conflicts (2 of 4 stars). 5 submissions from 5 submitters: Pathogenic (2); Likely pathogenic (3). Last evaluated 2026-06-16.

Conditions:
Renal tubulopathies.
Familial hypokalemia-hypomagnesemia (GTLMNS). Also called: HYPOMAGNESEMIA-HYPOKALEMIA, PRIMARY RENOTUBULAR, WITH HYPOCALCIURIA; POTASSIUM AND MAGNESIUM DEPLETION; gitelman syndrome. Identifiers: Orphanet 358, MedGen C0268450, MONDO:0009904, OMIM 263800.

Allele frequency attached by ClinVar (database versions not stated): gnomAD exomes 0.00001.
gnomAD v4.1: 22 of 1,614,132 alleles (0.0014%); highest among the groups gnomAD compares: Non-Finnish European, 0.0018%; no homozygotes.

Submissions (5):

Genetics Laboratory, Great Ormond Street Hospital NHS Foundation Trust, North Thames Genomic Laboratory Hub
Classification: Likely pathogenic for Renal tubulopathies. Last evaluated: 2026-06-16. Review status: criteria provided, single submitter. Criteria: ACGS Best Practice Guidelines for Variant Classification in Rare Disease 2024 v1.2. Collection method: clinical testing. Allele origin: germline. Affected: yes.
Comment: PM2_moderate, PP3_supporting, PM3_moderate, PP4_supporting

Labcorp Genetics (formerly Invitae), Labcorp
Classification: Pathogenic. Last evaluated: 2025-05-15. Review status: criteria provided, single submitter. Criteria: Invitae Variant Classification Sherloc (09022015). Collection method: clinical testing. Allele origin: germline.
Comment: This sequence change replaces leucine, which is neutral and non-polar, with proline, which is neutral and non-polar, at codon 897 of the SLC12A3 protein (p.Leu897Pro). This variant is not present in population databases (gnomAD no frequency). This missense change has been observed in individuals with Gitelman syndrome (PMID: 21415153, 31672324; internal data). ClinVar contains an entry for this variant (Variation ID: 1684179). Invitae Evidence Modeling of protein sequence and biophysical properties (such as structural, functional, and spatial information, amino acid conservation, physicochemical variation, residue mobility, and thermodynamic stability) indicates that this missense variant is expected to disrupt SLC12A3 protein function with a positive predictive value of 95%. For these reasons, this variant has been classified as Pathogenic.

GeneDx
Classification: Likely pathogenic. Last evaluated: 2024-09-11. Review status: criteria provided, single submitter. Criteria: GeneDx Variant Classification Process June 2021. Collection method: clinical testing. Allele origin: germline. Affected: yes.
Comment: Not observed at significant frequency in large population cohorts (gnomAD); In silico analysis supports that this missense variant has a deleterious effect on protein structure/function; This variant is associated with the following publications: (PMID: 31672324, 21415153)

Fulgent Genetics
Classification: Likely pathogenic for Familial hypokalemia-hypomagnesemia. Last evaluated: 2024-01-24. Review status: criteria provided, single submitter. Criteria: ACMG Guidelines, 2015. Collection method: clinical testing. Allele origin: germline.

European Hospital Georges Pompidou Genetics Department, Assistance Publique - Hôpitaux de Paris AP-HP
Classification: Pathogenic for Familial hypokalemia-hypomagnesemia. Last evaluated: 2022-04-27. Review status: criteria provided, single submitter. Criteria: ACMG Guidelines, 2015. Collection method: clinical testing. Allele origin: germline. Affected: yes.
Comment: ACMG criteria used:PS4, PM1, PM2,PM5, PP3, PP5

Literature cited by the submitters: PubMed 21415153 (cited by Labcorp Genetics (formerly Invitae), Labcorp); PubMed 31672324 (cited by Labcorp Genetics (formerly Invitae), Labcorp).